The following is an entry in ClinVar:

ClinVar aggregate classification (germline): Uncertain significance (1 of 4 stars; one submission).

Conditions:
Pyridoxal phosphate-responsive seizures (PNPOD). Also called: Pyridoxal 5'-Phosphate (PLP)-Dependent Epilepsy; Pyridoxamine 5-Prime-Phosphate Oxidase Deficiency; Pyridoxine-5'-phosphate oxidase deficiency; EPILEPTIC ENCEPHALOPATHY, NEONATAL, PNPO-RELATED; SEIZURES, PYRIDOXINE-RESISTANT, PLP-SENSITIVE. Identifiers: Orphanet 79096, MedGen C1864723, MONDO:0012407, OMIM 610090. Disease mechanism: loss of function.

Allele frequency attached by ClinVar (database versions not stated): gnomAD exomes below 0.00001 and 0.00003; TOPMed 0.00001.
gnomAD v4.1: 45 of 1,613,462 alleles (0.0028%); highest among the groups gnomAD compares: Non-Finnish European, 0.0038%; no homozygotes.

Submission:

Labcorp Genetics (formerly Invitae), Labcorp
Classification: Uncertain significance for Pyridoxal phosphate-responsive seizures. Last evaluated: 2024-09-23. Review status: criteria provided, single submitter. Criteria: Invitae Variant Classification Sherloc (09022015). Collection method: clinical testing. Allele origin: germline.
Comment: This sequence change replaces leucine, which is neutral and non-polar, with phenylalanine, which is neutral and non-polar, at codon 129 of the PNPO protein (p.Leu129Phe). This variant is present in population databases (no rsID available, gnomAD 0.0009%). This variant has not been reported in the literature in individuals affected with PNPO-related conditions. ClinVar contains an entry for this variant (Variation ID: 581522). Invitae Evidence Modeling of protein sequence and biophysical properties (such as structural, functional, and spatial information, amino acid conservation, physicochemical variation, residue mobility, and thermodynamic stability) indicates that this missense variant is not expected to disrupt PNPO protein function with a negative predictive value of 80%. In summary, the available evidence is currently insufficient to determine the role of this variant in disease. Therefore, it has been classified as a Variant of Uncertain Significance.

NM_018129.4(PNPO):c.385C>T (p.Leu129Phe)

Gene: PNPO (pyridoxamine 5'-phosphate oxidase; plus strand). Cytogenetic location: 17q21.32.
Variant type: single nucleotide variant.
Coding change: c.385C>T on transcript NM_018129.4 (MANE Select); coding-DNA position 385, C replaced by T.
Protein change: p.Leu129Phe; replaces leucine 129 with phenylalanine.
Molecular consequence: missense variant.
Genome position (GRCh38, 1-based): chr17:47,945,580, C>T. VCF-style: chr17-47945580-C-T. GRCh37 (hg19) VCF-style: chr17-46022946-C-T.
Other names: short protein forms L129F.
Identifiers: ClinVar variation 581522 (VCV000581522.8), dbSNP rs891457932, ClinGen allele CA291296112.